The following is an entry in ClinVar:

ClinVar aggregate classification (germline): Uncertain significance (1 of 4 stars; one submission).

gnomAD v4.1: 37 of 1,613,696 alleles (0.0023%); highest among the groups gnomAD compares: African/African-American, 0.033%; no homozygotes.

Submission:

Women's Health and Genetics/Laboratory Corporation of America, LabCorp
Classification: Uncertain significance. Last evaluated: 2024-05-02. Review status: criteria provided, single submitter. Criteria: LabCorp Variant Classification Summary - May 2015. Collection method: clinical testing. Allele origin: germline.
Comment: Variant summary: ASS1 c.-5-5G>A alters a non-conserved nucleotide located close to a canonical splice site and therefore could affect mRNA splicing. Consensus agreement among computation tools predict no significant impact on normal splicing. However, these predictions have yet to be confirmed by functional studies. The variant allele was found at a frequency of 5.2e-05 in 250114 control chromosomes. This frequency is not significantly higher than estimated for a pathogenic variant in ASS1 causing Citrullinemia Type I (5.2e-05 vs 0.0041), allowing no conclusion about variant significance. To our knowledge, no occurrence of c.-5-5G>A in individuals affected with Citrullinemia Type I and no experimental evidence demonstrating its impact on protein function have been reported. No submitters have cited clinical-significance assessments for this variant to ClinVar. Based on the evidence outlined above, the variant was classified as uncertain significance.

NM_054012.4(ASS1):c.-5-5G>A

Gene: ASS1 (argininosuccinate synthase 1; plus strand). Cytogenetic location: 9q34.11.
Variant type: single nucleotide variant.
Coding change: c.-5-5G>A on transcript NM_054012.4 (MANE Select); 5 bases into the intron before 5 bases upstream of the start codon, G replaced by A.
Molecular consequence: intron variant.
Genome position (GRCh38, 1-based): chr9:130,452,219, G>A. VCF-style: chr9-130452219-G-A. GRCh37 (hg19) VCF-style: chr9-133327606-G-A.
Other names: c.-5-5G>A (NM_000050.4).
Identifiers: ClinVar variation 3336240 (VCV003336240.1).